The following is an entry in ClinVar:

NM_017757.3(ZNF407):c.3772C>T (p.Arg1258Cys)

Gene: ZNF407 (zinc finger protein 407; plus strand). Cytogenetic location: 18q22.3.
Variant type: single nucleotide variant.
Coding change: c.3772C>T on transcript NM_017757.3 (MANE Select); coding-DNA position 3772, C replaced by T.
Protein change: p.Arg1258Cys; replaces arginine 1258 with cysteine.
Molecular consequence: missense variant.
Genome position (GRCh38, 1-based): chr18:74,634,791, C>T. VCF-style: chr18-74634791-C-T. GRCh37 (hg19) VCF-style: chr18-72346747-C-T.
Other names: c.3772C>T, p.Arg1258Cys (NM_001146189.1, NM_001146190.1, NM_001384475.1); short protein forms R1258C.
Identifiers: ClinVar variation 2388409 (VCV002388409.3), dbSNP rs773630622, ClinGen allele CA9000751.

ClinVar aggregate classification (germline): Uncertain significance. Review status: criteria provided, multiple submitters, no conflicts (2 of 4 stars). 2 submissions from 2 submitters: Uncertain significance (2). Last evaluated 2024-12-12.

Allele frequency attached by ClinVar (database versions not stated): ExAC 0.00003; gnomAD exomes 0.00005; TOPMed 0.00004; gnomAD 0.00006.
gnomAD v4.1: 86 of 1,613,844 alleles (0.0053%); highest among the groups gnomAD compares: Admixed American, 0.0083%; no homozygotes.

Submissions (2):

GeneDx
Classification: Uncertain significance. Last evaluated: 2024-12-12. Review status: criteria provided, single submitter. Criteria: GeneDx Variant Classification Process June 2021. Collection method: clinical testing. Allele origin: germline. Affected: yes.
Comment: In silico analysis indicates that this missense variant does not alter protein structure/function; Has not been previously published as pathogenic or benign to our knowledge

Ambry Genetics
Classification: Uncertain significance. Last evaluated: 2021-08-10. Review status: criteria provided, single submitter. Criteria: Ambry Variant Classification Scheme 2023. Collection method: clinical testing. Allele origin: germline.